The following is an entry in ClinVar:

NM_001042413.2(GLIS3):c.273C>T (p.Leu91=)

Gene: GLIS3 (GLIS family zinc finger 3; minus strand). Cytogenetic location: 9p24.2.
Variant type: single nucleotide variant.
Coding change: c.273C>T on transcript NM_001042413.2 (MANE Select); coding-DNA position 273, C replaced by T.
Protein change: p.Leu91=; no amino-acid change (leucine 91 retained).
Molecular consequence: synonymous variant.
Genome position (GRCh38, 1-based): chr9:4,286,153, G>A on the plus strand (C>T on the coding strand, the complement: GLIS3 is on the minus strand). VCF-style: chr9-4286153-G-A. GRCh37 (hg19) VCF-style: chr9-4286153-G-A.
Other names: c.273C>T (NM_001042413.1).
Identifiers: ClinVar variation 2659041 (VCV002659041.25), dbSNP rs753240320, ClinGen allele CA4968638.

ClinVar aggregate classification (germline): Likely benign. Review status: criteria provided, multiple submitters, no conflicts (2 of 4 stars). 2 submissions from 2 submitters: Likely benign (2). Last evaluated 2026-02-05.

Conditions:
GLIS3-related disorder. Also called: GLIS3-related condition.

Allele frequency attached by ClinVar (database versions not stated): TOPMed 0.00001; ExAC 0.00007.
gnomAD v4.1: 77 of 1,614,034 alleles (0.0048%); highest among the groups gnomAD compares: South Asian, 0.051%; no homozygotes.

Submissions (2):

PreventionGenetics, part of Exact Sciences
Classification: Likely benign for GLIS3-related condition. Last evaluated: 2026-02-05. Review status: criteria provided, single submitter. Criteria: ACMG Guidelines, 2015. Collection method: clinical testing. Allele origin: germline.
Comment: This variant is classified as likely benign based on ACMG/AMP sequence variant interpretation guidelines (Richards et al. 2015 PMID: 25741868, with internal and published modifications).

CeGaT Center for Human Genetics Tuebingen
Classification: Likely benign. Last evaluated: 2023-01-01. Review status: criteria provided, single submitter. Criteria: CeGaT Center For Human Genetics Tuebingen Variant Classification Criteria Version 2. Collection method: clinical testing. Allele origin: germline. Affected: yes. Observed: 1 variant allele.
Comment: GLIS3: BP4, BP7